The following is an entry in ClinVar:

ClinVar aggregate classification (germline): Uncertain significance. Review status: criteria provided, multiple submitters, no conflicts (2 of 4 stars). 2 submissions from 2 submitters: Uncertain significance (2). Last evaluated 2025-11-18.

Submissions (2):

Labcorp Genetics (formerly Invitae), Labcorp
Classification: Uncertain significance. Last evaluated: 2025-11-18. Review status: criteria provided, single submitter. Criteria: Invitae Variant Classification Sherloc (09022015). Collection method: clinical testing. Allele origin: germline.
Comment: This sequence change replaces serine, which is neutral and polar, with tryptophan, which is neutral and slightly polar, at codon 1644 of the POLE protein (p.Ser1644Trp). This variant is not present in population databases (gnomAD no frequency). This variant has not been reported in the literature in individuals affected with POLE-related conditions. ClinVar contains an entry for this variant (Variation ID: 1303262). Invitae Evidence Modeling of protein sequence and biophysical properties (such as structural, functional, and spatial information, amino acid conservation, physicochemical variation, residue mobility, and thermodynamic stability) indicates that this missense variant is not expected to disrupt POLE protein function with a negative predictive value of 80%. In summary, the available evidence is currently insufficient to determine the role of this variant in disease. Therefore, it has been classified as a Variant of Uncertain Significance.

GeneDx
Classification: Uncertain significance. Last evaluated: 2019-08-02. Review status: criteria provided, single submitter. Criteria: GeneDx Variant Classification Process June 2021. Collection method: clinical testing. Allele origin: germline. Affected: yes.
Comment: Not observed in large population cohorts (Lek 2016); In silico analysis, which includes protein predictors and evolutionary conservation, supports a deleterious effect; Has not been previously published as pathogenic or benign to our knowledge

NM_006231.4(POLE):c.4931C>G (p.Ser1644Trp)

Gene: POLE (DNA polymerase epsilon, catalytic subunit; minus strand). Cytogenetic location: 12q24.33.
Variant type: single nucleotide variant.
Coding change: c.4931C>G on transcript NM_006231.4 (MANE Select); coding-DNA position 4931, C replaced by G.
Protein change: p.Ser1644Trp; replaces serine 1644 with tryptophan.
Molecular consequence: missense variant.
Genome position (GRCh38, 1-based): chr12:132,642,527, G>C on the plus strand (C>G on the coding strand, the complement: POLE is on the minus strand). VCF-style: chr12-132642527-G-C. GRCh37 (hg19) VCF-style: chr12-133219113-G-C.
Other names: short protein forms S1644W.
Identifiers: ClinVar variation 1303262 (VCV001303262.7), dbSNP rs771896231, ClinGen allele CA387377876.